The following is an entry in ClinVar:

NM_000784.4(CYP27A1):c.712G>A (p.Val238Met)

Gene: CYP27A1 (cytochrome P450 family 27 subfamily A member 1; plus strand). Cytogenetic location: 2q35.
Variant type: single nucleotide variant.
Coding change: c.712G>A on transcript NM_000784.4 (MANE Select); coding-DNA position 712, G replaced by A.
Protein change: p.Val238Met; replaces valine 238 with methionine.
Molecular consequence: missense variant.
Genome position (GRCh38, 1-based): chr2:218,812,617, G>A. VCF-style: chr2-218812617-G-A. GRCh37 (hg19) VCF-style: chr2-219677340-G-A.
Other names: short protein forms V238M.
Identifiers: ClinVar variation 596340 (VCV000596340.26), dbSNP rs199691576, ClinGen allele CA2112702.

ClinVar aggregate classification (germline): Conflicting classifications of pathogenicity. Review status: criteria provided, conflicting classifications (1 of 4 stars). 6 submissions from 6 submitters: Uncertain significance (3); Likely benign (2). 1 of the submissions does not count toward it. Last evaluated 2026-01-20.

Conditions:
CYP27A1-related disorder. Also called: CYP27A1-related condition.
Cardiovascular phenotype. Identifiers: MedGen CN230736.
Cholestanol storage disease (CTX). Also called: CTX: Cerebrotendinous xanthomatosis; CEREBRAL CHOLESTERINOSIS; Cerebrotendinous Xanthomatosis. Identifiers: Orphanet 909, MedGen C0238052, MONDO:0008948, OMIM 213700.

Allele frequency attached by ClinVar (database versions not stated): TOPMed 0.00005; gnomAD 0.00006 and 0.00010; gnomAD exomes 0.00012 and 0.00026; ExAC 0.00015; 1000 Genomes Project 30x 0.00031; 1000 Genomes Project 0.00040.
gnomAD v4.1: 385 of 1,614,220 alleles (0.024%); highest among the groups gnomAD compares: East Asian, 0.75%; 3 homozygotes.

Submissions (6):

Labcorp Genetics (formerly Invitae), Labcorp
Classification: Likely benign for Cholestanol storage disease. Last evaluated: 2026-01-20. Review status: criteria provided, single submitter. Criteria: Invitae Variant Classification Sherloc (09022015). Collection method: clinical testing. Allele origin: germline.

PreventionGenetics, part of Exact Sciences
Classification: Likely benign for CYP27A1-related condition. Last evaluated: 2025-03-14. Review status: criteria provided, single submitter. Criteria: ACMG Guidelines, 2015. Collection method: clinical testing. Allele origin: germline.
Comment: This variant is classified as likely benign based on ACMG/AMP sequence variant interpretation guidelines (Richards et al. 2015 PMID: 25741868, with internal and published modifications).

Ambry Genetics
Classification: Uncertain significance for Cardiovascular phenotype. Last evaluated: 2023-05-25. Review status: criteria provided, single submitter. Criteria: Ambry Variant Classification Scheme 2023. Collection method: clinical testing. Allele origin: germline.

Eurofins Ntd Llc (ga)
Classification: Uncertain significance. Last evaluated: 2018-03-06. Review status: criteria provided, single submitter. Criteria: EGL ClinVar v180209 classification definitions. Collection method: clinical testing. Allele origin: germline. Observed: 1 variant allele, 1 heterozygote.

Illumina Laboratory Services, Illumina
Classification: Uncertain significance for Cholestanol storage disease. Last evaluated: 2017-04-27. Review status: criteria provided, single submitter. Criteria: ICSL Variant Classification Criteria 13 December 2019. Collection method: clinical testing. Allele origin: germline.

Natera, Inc.
Classification: Likely benign for Cerebrotendinous xanthomatosis. Last evaluated: 2020-01-19. Review status: no assertion criteria provided. Collection method: clinical testing. Allele origin: germline. Not counted in ClinVar's aggregate classification.

Literature cited by the submitters: PubMed 33020668 (cited by Ambry Genetics).